The following is an entry in ClinVar:

ClinVar aggregate classification (germline): Uncertain significance (1 of 4 stars; one submission).

Allele frequency attached by ClinVar (database versions not stated): gnomAD exomes 0.00001; gnomAD 0.00003 and 0.00004; TOPMed 0.00004.
gnomAD v4.1: 17 of 1,612,692 alleles (0.0011%); highest among the groups gnomAD compares: Middle Eastern, 0.016%; no homozygotes.

Submission:

Labcorp Genetics (formerly Invitae), Labcorp
Classification: Uncertain significance. Last evaluated: 2021-08-28. Review status: criteria provided, single submitter. Criteria: Invitae Variant Classification Sherloc (09022015). Collection method: clinical testing. Allele origin: germline.
Comment: This sequence change replaces arginine with cysteine at codon 296 of the HPS3 protein (p.Arg296Cys). The arginine residue is moderately conserved and there is a large physicochemical difference between arginine and cysteine. This variant is present in population databases (rs137952312, ExAC 0.006%). This variant has not been reported in the literature in individuals affected with HPS3-related conditions. Algorithms developed to predict the effect of missense changes on protein structure and function are either unavailable or do not agree on the potential impact of this missense change (SIFT: "Tolerated"; PolyPhen-2: "Probably Damaging"; Align-GVGD: "Class C0"). In summary, the available evidence is currently insufficient to determine the role of this variant in disease. Therefore, it has been classified as a Variant of Uncertain Significance.

NM_032383.5(HPS3):c.886C>T (p.Arg296Cys)

Gene: HPS3 (HPS3 biogenesis of lysosomal organelles complex 2 subunit 1; plus strand). Cytogenetic location: 3q24.
Variant type: single nucleotide variant.
Coding change: c.886C>T on transcript NM_032383.5 (MANE Select); coding-DNA position 886, C replaced by T.
Protein change: p.Arg296Cys; replaces arginine 296 with cysteine.
Molecular consequence: missense variant.
Genome position (GRCh38, 1-based): chr3:149,141,296, C>T. VCF-style: chr3-149141296-C-T. GRCh37 (hg19) VCF-style: chr3-148859083-C-T.
Other names: c.391C>T, p.Arg131Cys (NM_001308258.2); short protein forms R131C, R296C.
Identifiers: ClinVar variation 1517617 (VCV001517617.5), dbSNP rs137952312, ClinGen allele CA2659929.